The following is an entry in ClinVar:

NM_005515.4(MNX1):c.537C>A (p.His179Gln)

Gene: MNX1 (motor neuron and pancreas homeobox 1; minus strand). Cytogenetic location: 7q36.3.
Variant type: single nucleotide variant.
Coding change: c.537C>A on transcript NM_005515.4 (MANE Select); coding-DNA position 537, C replaced by A.
Protein change: p.His179Gln; replaces histidine 179 with glutamine.
Molecular consequence: missense variant.
Genome position (GRCh38, 1-based): chr7:157,009,814, G>T on the plus strand (C>A on the coding strand, the complement: MNX1 is on the minus strand). VCF-style: chr7-157009814-G-T. GRCh37 (hg19) VCF-style: chr7-156802508-G-T.
Other names: short protein forms H179Q.
Identifiers: ClinVar variation 3605061 (VCV003605061.2).

ClinVar aggregate classification (germline): Uncertain significance (1 of 4 stars; one submission).

gnomAD v4.1: 19 of 1,530,956 alleles (0.0012%); highest among the groups gnomAD compares: Non-Finnish European, 0.0017%; no homozygotes.

Submission:

Labcorp Genetics (formerly Invitae), Labcorp
Classification: Uncertain significance. Last evaluated: 2024-10-13. Review status: criteria provided, single submitter. Criteria: Invitae Variant Classification Sherloc (09022015). Collection method: clinical testing. Allele origin: germline.
Comment: This sequence change replaces histidine, which is basic and polar, with glutamine, which is neutral and polar, at codon 179 of the MNX1 protein (p.His179Gln). This variant is present in population databases (no rsID available, gnomAD 0.02%). This variant has not been reported in the literature in individuals affected with MNX1-related conditions. Invitae Evidence Modeling of protein sequence and biophysical properties (such as structural, functional, and spatial information, amino acid conservation, physicochemical variation, residue mobility, and thermodynamic stability) indicates that this missense variant is not expected to disrupt MNX1 protein function with a negative predictive value of 80%. In summary, the available evidence is currently insufficient to determine the role of this variant in disease. Therefore, it has been classified as a Variant of Uncertain Significance.